The following is an entry in ClinVar:

ClinVar aggregate classification (germline): Uncertain significance. Review status: reviewed by expert panel (3 of 4 stars). 4 submissions from 4 submitters: Uncertain significance (1). 3 of the submissions do not count toward it. Last evaluated 2025-01-15.

Conditions:
Acute myeloid leukemia (AML). Also called: Acute myeloid leukemia, adult; AML adult; Acute non-lymphocytic leukemia; Acute granulocytic leukemia; Leukemia, acute myeloid, somatic; Leukemia, acute myelogenous, somatic. Identifiers: Orphanet 519, MedGen C0023467, MeSH D015470, MONDO:0018874, OMIM 601626, HP:0004808. Disease mechanism: Constitutively activated FLT3.
Hereditary thrombocytopenia and hematological cancer predisposition syndrome associated with RUNX1. Also called: PLATELET DISORDER, ASPIRIN-LIKE; RUNX1 Familial Platelet Disorder with Associated Myeloid Malignancies; Familial Platelet Disorder with Propensity to Acute Myelogenous Leukemia; Familial thrombocytopenia with propensity to acute myelogenous leukemia. Identifiers: Orphanet 71290, MedGen C1832388, MeSH C563324, MONDO:0100083, OMIM 601399.
Hereditary thrombocytopenia and hematologic cancer predisposition syndrome. Identifiers: Orphanet 71290, MedGen CN281654, MONDO:0011071.
Inborn genetic diseases. Identifiers: MedGen C0950123, MeSH D030342.

Submissions (4):

ClinGen Myeloid Malignancy Variant Curation Expert Panel
Classification: Uncertain significance for Hereditary thrombocytopenia and hematologic cancer predisposition syndrome. Last evaluated: 2025-01-15. Review status: reviewed by expert panel. Criteria: ClinGen MyeloMalig ACMG Specifications v2. Collection method: curation. Allele origin: germline. Inheritance: Autosomal dominant inheritance.
Comment: NM_001754.5(RUNX1):c.164C>A (p.Ala55Glu) is a missense variant which has a REVEL score < 0.50 (0.385), and a SpliceAI score ≤ 0.20 (0.03) (BP4). This variant is completely absent from all population databases with at least 20x coverage for RUNX1 (PM2_Supporting). In summary, the clinical significance of this variant is uncertain. ACMG/AMP criteria applied, as specified by the Myeloid Malignancy Variant Curation Expert Panel for RUNX1: BP4, PM2_supporting.

Ambry Genetics
Classification: Uncertain significance for Inborn genetic diseases. Last evaluated: 2025-09-28. Review status: criteria provided, single submitter. Criteria: Ambry Variant Classification Scheme 2023. Collection method: clinical testing. Allele origin: germline. Not counted in ClinVar's aggregate classification.
Comment: The p.A55E variant (also known as c.164C>A), located in coding exon 3 of the RUNX1 gene, results from a C to A substitution at nucleotide position 164. The alanine at codon 55 is replaced by glutamic acid, an amino acid with dissimilar properties. This amino acid position is conserved. In addition, the in silico prediction for this alteration is inconclusive. Based on the available evidence, the clinical significance of this variant remains unclear.

Illumina Laboratory Services, Illumina
Classification: Uncertain significance for Hereditary thrombocytopenia and hematological cancer predisposition syndrome associated with RUNX1. Last evaluated: 2018-03-02. Review status: criteria provided, single submitter. Criteria: ICSL Variant Classification Criteria 13 December 2019. Collection method: clinical testing. Allele origin: germline. Not counted in ClinVar's aggregate classification.

Nadeem Sheikh Lab, University of the Punjab
Classification: Likely pathogenic for Acute Myeloid Leukemia. Review status: no assertion criteria provided. Collection method: clinical testing. Allele origin: somatic. Affected: yes. Not counted in ClinVar's aggregate classification.

NM_001754.5(RUNX1):c.164C>A (p.Ala55Glu)

Gene: RUNX1 (RUNX family transcription factor 1; minus strand). Cytogenetic location: 21q22.12.
Variant type: single nucleotide variant.
Coding change: c.164C>A on transcript NM_001754.5 (MANE Select); coding-DNA position 164, C replaced by A.
Protein change: p.Ala55Glu; replaces alanine 55 with glutamic acid.
Molecular consequence: missense variant.
Genome position (GRCh38, 1-based): chr21:34,887,030, G>T on the plus strand (C>A on the coding strand, the complement: RUNX1 is on the minus strand). VCF-style: chr21-34887030-G-T. GRCh37 (hg19) VCF-style: chr21-36259327-G-T.
Other names: NM_001754.5(RUNX1):c.164C>A; p.Ala55Glu; c.83C>A, p.Ala28Glu (NM_001001890.3, NM_001122607.2); short protein forms A55E, A28E.
Identifiers: ClinVar variation 898914 (VCV000898914.8), dbSNP rs1473182680, ClinGen allele CA410204054.